The following is an entry in ClinVar:

NM_022489.4(INF2):c.1547C>T (p.Pro516Leu)

Gene: INF2 (inverted formin 2; plus strand). Cytogenetic location: 14q32.33.
Variant type: single nucleotide variant.
Coding change: c.1547C>T on transcript NM_022489.4 (MANE Select); coding-DNA position 1547, C replaced by T.
Protein change: p.Pro516Leu; replaces proline 516 with leucine.
Molecular consequence: missense variant.
Genome position (GRCh38, 1-based): chr14:104,707,814, C>T. VCF-style: chr14-104707814-C-T. GRCh37 (hg19) VCF-style: chr14-105174151-C-T.
Other names: p.Pro516Leu; c.1547C>T, p.Pro516Leu (NM_001031714.4); short protein forms P516L.
Identifiers: ClinVar variation 501335 (VCV000501335.26), dbSNP rs111589086, ClinGen allele CA7372587.

ClinVar aggregate classification (germline): Benign/Likely benign. Review status: criteria provided, multiple submitters, no conflicts (2 of 4 stars). 8 submissions from 8 submitters: Benign (6); Likely benign (1). 1 of the submissions does not count toward it. Last evaluated 2026-01-28.

Conditions:
INF2-related disorder. Also called: INF2-related condition.
Charcot-Marie-Tooth disease dominant intermediate E. Also called: CHARCOT-MARIE-TOOTH NEUROPATHY WITH FOCAL SEGMENTAL GLOMERULONEPHRITIS. Identifiers: Orphanet 93114, MedGen C4302667, MONDO:0013758, OMIM 614455.
Focal segmental glomerulosclerosis 5 (FSGS5). Identifiers: Orphanet 656, MedGen C2750475, MONDO:0013191, OMIM 613237.

Allele frequency attached by ClinVar (database versions not stated): gnomAD exomes 0.00088 and 0.00176; ExAC 0.00545; ESP Exome Variant Server 0.00671; gnomAD 0.00721 and 0.00779; TOPMed 0.00892; 1000 Genomes Project 0.01078; 1000 Genomes Project 30x 0.01140.
gnomAD v4.1: 2,396 of 1,558,064 alleles (0.15%); highest among the groups gnomAD compares: African/African-American, 2.8%; 42 homozygotes.

Submissions (8):

Labcorp Genetics (formerly Invitae), Labcorp
Classification: Benign for Charcot-Marie-Tooth disease dominant intermediate E; Focal segmental glomerulosclerosis 5. Last evaluated: 2026-01-28. Review status: criteria provided, single submitter. Criteria: Invitae Variant Classification Sherloc (09022015). Collection method: clinical testing. Allele origin: germline.

CeGaT Center for Human Genetics Tuebingen
Classification: Benign. Last evaluated: 2025-10-01. Review status: criteria provided, single submitter. Criteria: CeGaT Center For Human Genetics Tuebingen Variant Classification Criteria Version 2. Collection method: clinical testing. Allele origin: germline. Affected: yes. Observed: 1 variant allele.
Comment: INF2: BS1, BS2

Blueprint Genetics
Classification: Likely benign. Last evaluated: 2024-11-26. Review status: criteria provided, single submitter. Criteria: ACMG Guidelines, 2015. Collection method: clinical testing. Allele origin: germline.

Mayo Clinic Laboratories, Mayo Clinic
Classification: Benign. Last evaluated: 2024-06-14. Review status: criteria provided, single submitter. Criteria: ACMG Guidelines, 2015. Collection method: clinical testing. Allele origin: germline. Observed: 14 variant alleles.
Comment: BS1, BS2

Eurofins Ntd Llc (ga)
Classification: Benign. Last evaluated: 2017-04-07. Review status: criteria provided, single submitter. Criteria: EGL Classification Definitions 2015. Collection method: clinical testing. Allele origin: germline. Observed: 1 variant allele, 1 heterozygote.

GeneDx
Classification: Benign. Last evaluated: 2017-04-04. Review status: criteria provided, single submitter. Criteria: GeneDx Variant Classification (06012015). Collection method: clinical testing. Allele origin: germline. Affected: yes.
Comment: This variant is considered likely benign or benign based on one or more of the following criteria: it is a conservative change, it occurs at a poorly conserved position in the protein, it is predicted to be benign by multiple in silico algorithms, and/or has population frequency not consistent with disease.

Breakthrough Genomics
Classification: Benign. Review status: criteria provided, single submitter. Criteria: ACMG Guidelines, 2015. Collection method: not provided. Allele origin: germline. Inheritance: Autosomal dominant inheritance. Affected: yes.

PreventionGenetics, part of Exact Sciences
Classification: Benign for INF2-related condition. Last evaluated: 2019-03-18. Review status: no assertion criteria provided. Collection method: clinical testing. Allele origin: germline. Not counted in ClinVar's aggregate classification.
Comment: This variant is classified as benign based on ACMG/AMP sequence variant interpretation guidelines (Richards et al. 2015 PMID: 25741868, with internal and published modifications).

Literature cited by the submitters: PubMed 35920919 (cited by Mayo Clinic Laboratories, Mayo Clinic).